The following is an entry in ClinVar:

ClinVar aggregate classification (germline): Uncertain significance (1 of 4 stars; one submission).

Conditions:
Hereditary pancreatitis (PCTT). Also called: Hereditary chronic pancreatitis; PRSS1-Related Hereditary Pancreatitis. Identifiers: Orphanet 676, MedGen C0238339, MONDO:0008185, OMIM 167800.

gnomAD v4.1: 1 of 1,613,660 alleles (0.000062%); highest among the groups gnomAD compares: Non-Finnish European, 0.000085%; no homozygotes.

Submission:

Ambry Genetics
Classification: Uncertain significance for Hereditary pancreatitis. Last evaluated: 2024-09-24. Review status: criteria provided, single submitter. Criteria: Ambry Variant Classification Scheme 2023. Collection method: clinical testing. Allele origin: germline.
Comment: The p.I243V variant (also known as c.727A>G), located in coding exon 5 of the PRSS1 gene, results from an A to G substitution at nucleotide position 727. The isoleucine at codon 243 is replaced by valine, an amino acid with highly similar properties. This amino acid position is conserved. In addition, the in silico prediction for this alteration is inconclusive. Based on the available evidence, the clinical significance of this variant remains unclear.

NM_002769.5(PRSS1):c.727A>G (p.Ile243Val)

Genes: PRSS1 (serine protease 1; plus strand), TRB (T cell receptor beta locus; plus strand). Cytogenetic location: 7q34.
Variant type: single nucleotide variant.
Coding change: c.727A>G on transcript NM_002769.5 (MANE Select); coding-DNA position 727, A replaced by G.
Protein change: p.Ile243Val; replaces isoleucine 243 with valine.
Molecular consequence: missense variant. On other transcripts: non-coding transcript variant (5).
Genome position (GRCh38, 1-based): chr7:142,753,003, A>G. VCF-style: chr7-142753003-A-G. GRCh37 (hg19) VCF-style: chr7-142460854-A-G.
Other names: short protein forms I243V.
Identifiers: ClinVar variation 3426332 (VCV003426332.1).